The following is an entry in ClinVar:

ClinVar aggregate classification (germline): Likely benign (1 of 4 stars; one submission).

Conditions:
ACACB-related disorder. Also called: ACACB-related condition.

gnomAD v4.1: 463 of 1,612,634 alleles (0.029%); highest among the groups gnomAD compares: Middle Eastern, 0.05%; no homozygotes.

Submission:

PreventionGenetics, part of Exact Sciences
Classification: Likely benign for ACACB-related condition. Last evaluated: 2025-12-12. Review status: criteria provided, single submitter. Criteria: ACMG Guidelines, 2015. Collection method: clinical testing. Allele origin: germline.
Comment: This variant is classified as likely benign based on ACMG/AMP sequence variant interpretation guidelines (Richards et al. 2015 PMID: 25741868, with internal and published modifications).

NM_001093.4(ACACB):c.5682G>A (p.Thr1894=)

Gene: ACACB (acetyl-CoA carboxylase beta; plus strand). Cytogenetic location: 12q24.11.
Variant type: single nucleotide variant.
Coding change: c.5682G>A on transcript NM_001093.4 (MANE Select); coding-DNA position 5682, G replaced by A.
Protein change: p.Thr1894=; no amino-acid change (threonine 1894 retained).
Molecular consequence: synonymous variant.
Genome position (GRCh38, 1-based): chr12:109,249,996, G>A. VCF-style: chr12-109249996-G-A. GRCh37 (hg19) VCF-style: chr12-109687801-G-A.
Other names: c.5682G>A, p.Thr1894= (NM_001412734.1, NM_001412735.1); c.5076G>A, p.Thr1692= (NM_001412736.1, NM_001412739.1); c.5055G>A, p.Thr1685= (NM_001412737.1); c.4887G>A, p.Thr1629= (NM_001412738.1).
Identifiers: ClinVar variation 4987097 (VCV004987097.1).